The following is an entry in ClinVar:

ClinVar aggregate classification (germline): Uncertain significance. Review status: criteria provided, multiple submitters, no conflicts (2 of 4 stars). 2 submissions from 2 submitters: Uncertain significance (2). Last evaluated 2024-11-02.

Conditions:
RASopathy. Also called: rasopathies; Noonan spectrum disorder. Identifiers: Orphanet 536391, MedGen C5555857, MONDO:0021060.

gnomAD v4.1: 1 of 1,613,904 alleles (0.000062%); no homozygotes.

Submissions (2):

Labcorp Genetics (formerly Invitae), Labcorp
Classification: Uncertain significance for RASopathy. Last evaluated: 2024-11-02. Review status: criteria provided, single submitter. Criteria: Invitae Variant Classification Sherloc (09022015). Collection method: clinical testing. Allele origin: germline.
Comment: This sequence change replaces glycine, which is neutral and non-polar, with serine, which is neutral and polar, at codon 397 of the BRAF protein (p.Gly397Ser). This variant is not present in population databases (gnomAD no frequency). This variant has not been reported in the literature in individuals affected with BRAF-related conditions. ClinVar contains an entry for this variant (Variation ID: 2637653). Invitae Evidence Modeling of protein sequence and biophysical properties (such as structural, functional, and spatial information, amino acid conservation, physicochemical variation, residue mobility, and thermodynamic stability) indicates that this missense variant is not expected to disrupt BRAF protein function with a negative predictive value of 80%. In summary, the available evidence is currently insufficient to determine the role of this variant in disease. Therefore, it has been classified as a Variant of Uncertain Significance.

Women's Health and Genetics/Laboratory Corporation of America, LabCorp
Classification: Uncertain significance. Last evaluated: 2023-10-10. Review status: criteria provided, single submitter. Criteria: LabCorp Variant Classification Summary - May 2015. Collection method: clinical testing. Allele origin: germline.
Comment: Variant summary: BRAF c.1189G>A (p.Gly397Ser) results in a non-conservative amino acid change in the encoded protein sequence. Three of five in-silico tools predict a damaging effect of the variant on protein function. The variant was absent in 251186 control chromosomes. The available data on variant occurrences in the general population are insufficient to allow any conclusion about variant significance. To our knowledge, no occurrence of c.1189G>A in individuals affected with Cardiofaciocutaneous Syndrome and no experimental evidence demonstrating its impact on protein function have been reported. No submitters have cited clinical-significance assessments for this variant to ClinVar after 2014. Based on the evidence outlined above, the variant was classified as uncertain significance.

NM_004333.6(BRAF):c.1189G>A (p.Gly397Ser)

Gene: BRAF (B-Raf proto-oncogene, serine/threonine kinase; minus strand). Cytogenetic location: 7q34.
Variant type: single nucleotide variant.
Coding change: c.1189G>A on transcript NM_004333.6 (MANE Select); coding-DNA position 1189, G replaced by A.
Protein change: p.Gly397Ser; replaces glycine 397 with serine.
Molecular consequence: missense variant. On other transcripts: intron variant (2).
Genome position (GRCh38, 1-based): chr7:140,783,146, C>T on the plus strand (G>A on the coding strand, the complement: BRAF is on the minus strand). VCF-style: chr7-140783146-C-T. GRCh37 (hg19) VCF-style: chr7-140482946-C-T.
Other names: c.1033G>A, p.Gly345Ser (NM_001378472.1, NM_001378473.1); c.1189G>A, p.Gly397Ser (NM_001378474.1, NM_001354609.2, NM_001378468.1); c.925G>A, p.Gly309Ser (NM_001378475.1); c.1141-63G>A (NM_001378471.1); c.1178-55G>A (NM_001378469.1); c.1309G>A, p.Gly437Ser (NM_001374244.1, NM_001374258.1); c.1198G>A, p.Gly400Ser (NM_001378467.1); c.1087G>A, p.Gly363Ser (NM_001378470.1); short protein forms G309S, G345S, G363S, G397S, G400S, G437S.
Identifiers: ClinVar variation 2637653 (VCV002637653.3), dbSNP rs760702929, ClinGen allele CA369589546.